The following is an entry in ClinVar:

NM_017739.4(POMGNT1):c.706G>C (p.Asp236His)

Genes: POMGNT1 (protein O-linked mannose N-acetylglucosaminyltransferase 1 (beta 1,2-); minus strand), TSPAN1 (tetraspanin 1; plus strand). Cytogenetic location: 1p34.1.
Variant type: single nucleotide variant.
Coding change: c.706G>C on transcript NM_017739.4 (MANE Select); coding-DNA position 706, G replaced by C.
Protein change: p.Asp236His; replaces aspartic acid 236 with histidine.
Molecular consequence: missense variant.
Genome position (GRCh38, 1-based): chr1:46,194,598, C>G on the plus strand (G>C on the coding strand, the complement: POMGNT1 is on the minus strand). VCF-style: chr1-46194598-C-G. GRCh37 (hg19) VCF-style: chr1-46660270-C-G.
Other names: c.706G>C, p.Asp236His (NM_001243766.2, NM_001410783.1); c.640G>C, p.Asp214His (NM_001290129.3); c.277G>C, p.Asp93His (NM_001290130.2); short protein forms D236H, D93H, D214H.
Identifiers: ClinVar variation 285234 (VCV000285234.7), dbSNP rs201525710, ClinGen allele CA833638.

ClinVar aggregate classification (germline): Uncertain significance. Review status: criteria provided, multiple submitters, no conflicts (2 of 4 stars). 4 submissions from 4 submitters: Uncertain significance (3). 1 of the submissions does not count toward it. Last evaluated 2023-06-13.

Conditions:
Muscular dystrophy-dystroglycanopathy (congenital with impaired intellectual development), type B, 3. Also called: Muscular dystrophy-dystroglycanopathy (congenital with intellectual disability), type B3; MUSCULAR DYSTROPHY, CONGENITAL, POMGNT1-RELATED. Identifiers: MedGen C3150412, MONDO:0013155, OMIM 613151.
Autosomal recessive limb-girdle muscular dystrophy type 2O. Also called: MUSCULAR DYSTROPHY-DYSTROGLYCANOPATHY, LIMB-GIRDLE, POMGNT1-RELATED; Limb-Girdle Muscular Dystrophy Type 3C; MUSCULAR DYSTROPHY-DYSTROGLYCANOPATHY (LIMB-GIRDLE), TYPE C, 3. Identifiers: Orphanet 206564, MedGen C3150417, MONDO:0013161, OMIM 613157.
Muscle eye brain disease (MEB). Also called: Santavuori congenital muscular dystrophy. Identifiers: Orphanet 588, Orphanet 899, MedGen C0457133, MONDO:0018939.

Allele frequency attached by ClinVar (database versions not stated): 1000 Genomes Project 30x 0.00031; 1000 Genomes Project 0.00040.
gnomAD v4.1: 20 of 1,614,170 alleles (0.0012%); highest among the groups gnomAD compares: Middle Eastern, 0.049%; no homozygotes.

Submissions (4):

Blueprint Genetics
Classification: Uncertain significance. Last evaluated: 2023-06-13. Review status: criteria provided, single submitter. Criteria: ACMG Guidelines, 2015. Collection method: clinical testing. Allele origin: germline.

Labcorp Genetics (formerly Invitae), Labcorp
Classification: Uncertain significance for Autosomal recessive limb-girdle muscular dystrophy type 2O; Muscular dystrophy-dystroglycanopathy (congenital with impaired intellectual development), type B, 3. Last evaluated: 2022-08-02. Review status: criteria provided, single submitter. Criteria: Invitae Variant Classification Sherloc (09022015). Collection method: clinical testing. Allele origin: germline.
Comment: This sequence change replaces aspartic acid, which is acidic and polar, with histidine, which is basic and polar, at codon 236 of the POMGNT1 protein (p.Asp236His). This variant is present in population databases (rs201525710, gnomAD 0.009%). This variant has not been reported in the literature in individuals affected with POMGNT1-related conditions. ClinVar contains an entry for this variant (Variation ID: 285234). Advanced modeling of protein sequence and biophysical properties (such as structural, functional, and spatial information, amino acid conservation, physicochemical variation, residue mobility, and thermodynamic stability) performed at Invitae indicates that this missense variant is not expected to disrupt POMGNT1 protein function. In summary, the available evidence is currently insufficient to determine the role of this variant in disease. Therefore, it has been classified as a Variant of Uncertain Significance.

Eurofins Ntd Llc (ga)
Classification: Uncertain significance. Last evaluated: 2015-12-15. Review status: criteria provided, single submitter. Criteria: EGL Classification Definitions 2015. Collection method: clinical testing. Allele origin: germline. Observed: 1 variant allele, 1 heterozygote.

Natera, Inc.
Classification: Uncertain significance for Muscle-eye-brain disease. Last evaluated: 2019-11-11. Review status: no assertion criteria provided. Collection method: clinical testing. Allele origin: germline. Not counted in ClinVar's aggregate classification.